The following is an entry in ClinVar:

ClinVar aggregate classification (germline): Conflicting classifications of pathogenicity. Review status: criteria provided, conflicting classifications (1 of 4 stars). 2 submissions from 2 submitters: Uncertain significance (1); Likely benign (1). Last evaluated 2023-03-23.

Conditions:
Hereditary cancer-predisposing syndrome. Also called: Tumor predisposition; Neoplastic Syndromes, Hereditary; Hereditary neoplastic syndrome; Hereditary Cancer Syndrome. Identifiers: Orphanet 140162, MedGen C0027672, MeSH D009386, MONDO:0015356.

Submissions (2):

University of Washington Department of Laboratory Medicine, University of Washington
Classification: Likely benign for Hereditary cancer-predisposing syndrome. Last evaluated: 2023-03-23. Review status: criteria provided, single submitter. Criteria: Dines et al. (Genet Med. 2020). Collection method: curation. Allele origin: germline.
Comment: Missense variant in a coldspot region where missense variants are very unlikely to be pathogenic (PMID:31911673).

BRCA2 exon 11 coldspot. Reclassification based on statistical prior probability.

Women's Health and Genetics/Laboratory Corporation of America, LabCorp
Classification: Uncertain significance. Last evaluated: 2018-01-25. Review status: criteria provided, single submitter. Criteria: LabCorp Variant Classification Summary - May 2015. Collection method: clinical testing. Allele origin: germline.
Comment: Variant summary: The BRCA2 c.4612T>A (p.Ser1538Thr) variant involves the alteration of a non-conserved nucleotide located in the BRCA2 repeat 4 (InterPro). 2/4 in silico tools predict a benign outcome for this variant (SNPsandGO not captured due to low reliability index). This variant is absent from 245676 control chromosomes. The variant of interest has not, to our knowledge, been reported in affected individuals via publications and/or reputable databases/clinical diagnostic laboratories, nor has it been evaluated for functional impact by in vivo/vitro studies. Because of the absence of clinical information and lack of functional studies, the variant is classified as a variant of uncertain significance (VUS) until additional information becomes available.

NM_000059.4(BRCA2):c.4612T>A (p.Ser1538Thr)

Gene: BRCA2 (BRCA2 DNA repair associated; plus strand). Cytogenetic location: 13q13.1.
Variant type: single nucleotide variant.
Coding change: c.4612T>A on transcript NM_000059.4 (MANE Select); coding-DNA position 4612, T replaced by A.
Protein change: p.Ser1538Thr; replaces serine 1538 with threonine.
Molecular consequence: missense variant.
Genome position (GRCh38, 1-based): chr13:32,338,967, T>A. VCF-style: chr13-32338967-T-A. GRCh37 (hg19) VCF-style: chr13-32913104-T-A.
Other names: short protein forms S1538T.
Identifiers: ClinVar variation 632694 (VCV000632694.3), dbSNP rs1566230812, ClinGen allele CA387782014.